The following is an entry in ClinVar:

NM_024665.7(TBL1XR1):c.307C>G (p.Leu103Val)

Gene: TBL1XR1 (TBL1X/Y related 1; minus strand). Cytogenetic location: 3q26.32.
Variant type: single nucleotide variant.
Coding change: c.307C>G on transcript NM_024665.7 (MANE Select); coding-DNA position 307, C replaced by G.
Protein change: p.Leu103Val; replaces leucine 103 with valine.
Molecular consequence: missense variant.
Genome position (GRCh38, 1-based): chr3:177,051,624, G>C on the plus strand (C>G on the coding strand, the complement: TBL1XR1 is on the minus strand). VCF-style: chr3-177051624-G-C. GRCh37 (hg19) VCF-style: chr3-176769412-G-C.
Other names: c.307C>G, p.Leu103Val (NM_001321193.3, NM_001321194.3, NM_001374327.1 and 2 more transcripts); c.46C>G, p.Leu16Val (NM_001321195.3, NM_001374330.1); short protein forms L16V, L103V.
Identifiers: ClinVar variation 2133217 (VCV002133217.4), dbSNP rs1175060411, ClinGen allele CA355553283.
Genomic context (GRCh38, chr3:177,051,624, plus strand): 5'-ATCCTTGTTGGCTGGCTGCAGCTGCGGCAGCTGCAGCAGCTGCTGCCTGTTGCTGTGCAA[G>C]CTTATCTCTATAAGCTTGTTGTCTTGTTTGTACTACATCAGGCATTACGGCATCTATCAG-3'
Protein context (NP_078941.2, residues 93-113): QTRQQAYRDK[Leu103Val]AQQQAAAAAA

ClinVar aggregate classification (germline): Uncertain significance (1 of 4 stars; one submission).

Conditions:
Pierpont syndrome (PRPTS). Identifiers: Orphanet 487825, MedGen C1865644, MONDO:0011213, OMIM 602342.

Allele frequency attached by ClinVar (database versions not stated): gnomAD exomes below 0.00001.
gnomAD v4.1: 1 of 1,613,610 alleles (0.000062%); highest among the groups gnomAD compares: Admixed American, 0.0017%; no homozygotes.

Submission:

Labcorp Genetics (formerly Invitae), Labcorp
Classification: Uncertain significance for Pierpont syndrome. Last evaluated: 2022-05-03. Review status: criteria provided, single submitter. Criteria: Invitae Variant Classification Sherloc (09022015). Collection method: clinical testing. Allele origin: germline.
Comment: This variant has not been reported in the literature in individuals affected with TBL1XR1-related conditions. This variant is present in population databases (no rsID available, gnomAD 0.003%). This sequence change replaces leucine, which is neutral and non-polar, with valine, which is neutral and non-polar, at codon 103 of the TBL1XR1 protein (p.Leu103Val). Advanced modeling of protein sequence and biophysical properties (such as structural, functional, and spatial information, amino acid conservation, physicochemical variation, residue mobility, and thermodynamic stability) performed at Invitae indicates that this missense variant is not expected to disrupt TBL1XR1 protein function. In summary, the available evidence is currently insufficient to determine the role of this variant in disease. Therefore, it has been classified as a Variant of Uncertain Significance.